The following is an entry in ClinVar:

NM_001267550.2(TTN):c.75458C>T (p.Ser25153Leu)

Genes: TTN (titin; minus strand), TTN-AS1 (TTN antisense RNA 1; plus strand). Cytogenetic location: 2q31.2.
Variant type: single nucleotide variant.
Coding change: c.75458C>T on transcript NM_001267550.2 (MANE Select); coding-DNA position 75458, C replaced by T.
Protein change: p.Ser25153Leu; replaces serine 25153 with leucine.
Molecular consequence: missense variant.
Genome position (GRCh38, 1-based): chr2:178,570,674, G>A on the plus strand (C>T on the coding strand, the complement: TTN is on the minus strand). VCF-style: chr2-178570674-G-A. GRCh37 (hg19) VCF-style: chr2-179435401-G-A.
Other names: c.70535C>T, p.Ser23512Leu (NM_001256850.1); c.48263C>T, p.Ser16088Leu (NM_003319.4); c.67754C>T, p.Ser22585Leu (NM_133378.4); c.48638C>T, p.Ser16213Leu (NM_133432.3); c.48839C>T, p.Ser16280Leu (NM_133437.4); short protein forms S22585L, S25153L, S16088L, S16280L, S23512L, S16213L.
Identifiers: ClinVar variation 437105 (VCV000437105.36), dbSNP rs368058280, ClinGen allele CA1990049.

ClinVar aggregate classification (germline): Conflicting classifications of pathogenicity. Review status: criteria provided, conflicting classifications (1 of 4 stars). 6 submissions from 6 submitters: Uncertain significance (4); Likely benign (2). Last evaluated 2025-10-11.

Conditions:
TTN-related disorder. Also called: TTN-related condition; TTN-related disease; TTN-related disorders.

Allele frequency attached by ClinVar (database versions not stated): gnomAD 0.00006 and 0.00007; TOPMed 0.00006; ESP Exome Variant Server 0.00008; gnomAD exomes 0.00010; ExAC 0.00011.
gnomAD v4.1: 157 of 1,613,506 alleles (0.0097%); highest among the groups gnomAD compares: South Asian, 0.046%; 1 homozygote.

Submissions (6):

PreventionGenetics, part of Exact Sciences
Classification: Uncertain significance for TTN-related condition. Last evaluated: 2025-10-11. Review status: criteria provided, single submitter. Criteria: ACMG Guidelines, 2015. Collection method: clinical testing. Allele origin: germline.
Comment: The TTN c.75458C>T variant is predicted to result in the amino acid substitution p.Ser25153Leu. To our knowledge, this variant has not been reported in the literature. This variant is reported in 0.052% of alleles in individuals of South Asian descent in gnomAD. Although we suspect that this variant may be benign, at this time, the clinical significance of this variant is uncertain due to the absence of conclusive functional and genetic evidence.

Molecular Diagnostic Laboratory for Inherited Cardiovascular Disease, Montreal Heart Institute
Classification: Likely benign. Last evaluated: 2025-04-09. Review status: criteria provided, single submitter. Criteria: ACMG Guidelines, 2015. Collection method: clinical testing. Allele origin: germline. Affected: no.
Comment: BS1;BP1

CeGaT Center for Human Genetics Tuebingen
Classification: Likely benign. Last evaluated: 2022-08-01. Review status: criteria provided, single submitter. Criteria: CeGaT Center For Human Genetics Tuebingen Variant Classification Criteria Version 2. Collection method: clinical testing. Allele origin: germline. Affected: yes. Observed: 1 variant allele.
Comment: TTN: BP4, BS2

Women's Health and Genetics/Laboratory Corporation of America, LabCorp
Classification: Uncertain significance. Last evaluated: 2020-03-10. Review status: criteria provided, single submitter. Criteria: LabCorp Variant Classification Summary - May 2015. Collection method: clinical testing. Allele origin: germline.
Comment: Variant summary: TTN c.67754C>T (p.Ser22585Leu) results in a non-conservative amino acid change in the encoded protein sequence. Three of five in-silico tools predict a benign effect of the variant on protein function. The variant allele was found at a frequency of 9.6e-05 in 248728 control chromosomes in the gnomAD database, including 1 homozygotes. This frequency is not significantly higher than expected for a pathogenic variant in TTN causing Cardiomyopathy (9.6e-05 vs 0.00063), allowing no conclusion about variant significance. To our knowledge, no occurrence of c.67754C>T in individuals affected with Cardiomyopathy and no experimental evidence demonstrating its impact on protein function have been reported. One clinical diagnostic laboratory has submitted clinical-significance assessments for this variant to ClinVar after 2014 without evidence for independent evaluation and classified the variant as uncertain significance. Based on the evidence outlined above, the variant was classified as uncertain significance.

Revvity Omics, Revvity
Classification: Uncertain significance. Last evaluated: 2019-01-31. Review status: criteria provided, single submitter. Criteria: ACMG Guidelines, 2015. Collection method: clinical testing. Allele origin: germline.

Genetic Services Laboratory, University of Chicago
Classification: Uncertain significance. Last evaluated: 2016-08-09. Review status: criteria provided, single submitter. Criteria: ACMG Guidelines, 2015. Collection method: clinical testing. Allele origin: germline. Affected: no.